The following is an entry in ClinVar:

ClinVar aggregate classification (germline): Uncertain significance. Review status: criteria provided, multiple submitters, no conflicts (2 of 4 stars). 2 submissions from 2 submitters: Uncertain significance (2). Last evaluated 2026-01-11.

Conditions:
Hereditary nonpolyposis colorectal neoplasms. Identifiers: MedGen C0009405, MeSH D003123.
Hereditary cancer-predisposing syndrome. Also called: Neoplastic Syndromes, Hereditary; Hereditary Cancer Syndrome; Tumor predisposition; Hereditary neoplastic syndrome. Identifiers: Orphanet 140162, MedGen C0027672, MeSH D009386, MONDO:0015356.

Submissions (2):

Labcorp Genetics (formerly Invitae), Labcorp
Classification: Uncertain significance for Hereditary nonpolyposis colorectal neoplasms. Last evaluated: 2026-01-11. Review status: criteria provided, single submitter. Criteria: Invitae Variant Classification Sherloc (09022015). Collection method: clinical testing. Allele origin: germline.
Comment: This sequence change replaces glutamine, which is neutral and polar, with histidine, which is basic and polar, at codon 415 of the MSH6 protein (p.Gln415His). This variant is not present in population databases (gnomAD no frequency). This variant has not been reported in the literature in individuals affected with MSH6-related conditions. ClinVar contains an entry for this variant (Variation ID: 1374908). Invitae Evidence Modeling of protein sequence and biophysical properties (such as structural, functional, and spatial information, amino acid conservation, physicochemical variation, residue mobility, and thermodynamic stability) indicates that this missense variant is not expected to disrupt MSH6 protein function with a negative predictive value of 95%. In summary, the available evidence is currently insufficient to determine the role of this variant in disease. Therefore, it has been classified as a Variant of Uncertain Significance.

Ambry Genetics
Classification: Uncertain significance for Hereditary cancer-predisposing syndrome. Last evaluated: 2022-01-12. Review status: criteria provided, single submitter. Criteria: Ambry Variant Classification Scheme 2023. Collection method: clinical testing. Allele origin: germline.
Comment: The p.Q415H variant (also known as c.1245G>T), located in coding exon 4 of the MSH6 gene, results from a G to T substitution at nucleotide position 1245. The glutamine at codon 415 is replaced by histidine, an amino acid with highly similar properties. This amino acid position is well conserved in available vertebrate species. In addition, the in silico prediction for this alteration is inconclusive. Since supporting evidence is limited at this time, the clinical significance of this alteration remains unclear.

NM_000179.3(MSH6):c.1245G>T (p.Gln415His)

Gene: MSH6 (mutS homolog 6; plus strand). Cytogenetic location: 2p16.3.
Variant type: single nucleotide variant.
Coding change: c.1245G>T on transcript NM_000179.3 (MANE Select); coding-DNA position 1245, G replaced by T.
Protein change: p.Gln415His; replaces glutamine 415 with histidine.
Molecular consequence: missense variant.
Genome position (GRCh38, 1-based): chr2:47,799,228, G>T. VCF-style: chr2-47799228-G-T. GRCh37 (hg19) VCF-style: chr2-48026367-G-T.
Other names: c.855G>T, p.Gln285His (NM_001281492.2); c.339G>T, p.Gln113His (NM_001281493.2, NM_001281494.2); short protein forms Q285H, Q113H, Q415H.
Identifiers: ClinVar variation 1374908 (VCV001374908.8), dbSNP rs769418914, ClinGen allele CA346743793.